The following is an entry in ClinVar:

NR_001566.3(TERC):n.113_114delTT

Genes: TERC (telomerase RNA component; minus strand), LOC110806306 (telomerase RNA component (TERC) promoter; plus strand). Cytogenetic location: 3q26.2.
Variant type: Deletion.
Genome position: GRCh38 VCF-style: chr3-169764945-GAA-G. GRCh37 (hg19) VCF-style: chr3-169482733-GAA-G.
Identifiers: ClinVar variation 2098214 (VCV002098214.4), dbSNP rs2474262453, ClinGen allele CA2580069065.
Genomic context (GRCh38, chr3:169,764,945, plus strand): 5'-TTTTTTGTTTGCTCTAGAATGAACGGTGGAAGGCGGCAGGCCGAGGCTTTTCCGCCCGCT[GAA>G]AGTCAGCGAGAAAAACAGCGCGCGGGGAGCAAAAGCACGGCGCCTACGCCCTTCTCAGTT-3'

ClinVar aggregate classification (germline): Likely pathogenic (1 of 4 stars; one submission).

Conditions:
Dyskeratosis congenita, autosomal dominant 1 (DKCA1). Also called: Dyskeratosis congenita Scoggins type. Identifiers: Orphanet 1775, MedGen C4551974, MONDO:0007485, OMIM 127550. Inheritance: Variable.

Submission:

Labcorp Genetics (formerly Invitae), Labcorp
Classification: Likely pathogenic for Dyskeratosis congenita, autosomal dominant 1. Last evaluated: 2022-09-16. Review status: criteria provided, single submitter. Criteria: Invitae Variant Classification Sherloc (09022015). Collection method: clinical testing. Allele origin: germline.
Comment: This variant is not present in population databases (gnomAD no frequency). This variant occurs in the TERC gene, which encodes an RNA molecule that does not result in a protein product. This variant has been observed in individuals with clinical features of dyskeratosis congenita (PMID: 30523342; Invitae). It has also been observed to segregate with disease in related individuals. This variant is located within the template/pseudoknot domain of the TERC RNA component, which is required for RNA or RNP stability (PMID: 15082312, 21844345). This variant is located in a region of TERC in which a significant number of disease causing variants have been reported (PMID: 15082312, 21844345, 21931702). These observations suggest that this may be a clinically significant region. In summary, the currently available evidence indicates that the variant is pathogenic, but additional data are needed to prove that conclusively. Therefore, this variant has been classified as Likely Pathogenic.

Literature cited by the submitters: PubMed 30523342; PubMed 15082312; PubMed 21844345; PubMed 21931702.